The following is an entry in ClinVar:

ClinVar aggregate classification (germline): Conflicting classifications of pathogenicity. Review status: criteria provided, conflicting classifications (1 of 4 stars). 9 submissions from 9 submitters: Uncertain significance (5); Likely benign (4). Last evaluated 2026-01-21.

Conditions:
Cardiovascular phenotype. Identifiers: MedGen CN230736.
Cardiomyopathy (CMYO). Also called: Cardiomyopathies. Identifiers: Orphanet 167848, MedGen C0878544, MONDO:0004994, HP:0001638. Inheritance: Various modes of inheritance.
Lethal congenital glycogen storage disease of heart. Also called: GLYCOGEN STORAGE DISEASE OF HEART; PHOSPHORYLASE KINASE DEFICIENCY OF HEART. Identifiers: Orphanet 439854, MedGen C1849813, MONDO:0009867, OMIM 261740.
Hypertrophic cardiomyopathy. Also called: HYPERTROPHIC MYOCARDIOPATHY. Identifiers: Orphanet 217569, MedGen C0007194, MeSH D002312, MONDO:0005045, HP:0001639.

Allele frequency attached by ClinVar (database versions not stated): TOPMed 0.00005; gnomAD exomes 0.00006; ExAC 0.00010.
gnomAD v4.1: 38 of 1,608,054 alleles (0.0024%); highest among the groups gnomAD compares: South Asian, 0.0077%; 1 homozygote.

Submissions (9):

Labcorp Genetics (formerly Invitae), Labcorp
Classification: Likely benign for Lethal congenital glycogen storage disease of heart. Last evaluated: 2026-01-21. Review status: criteria provided, single submitter. Criteria: Invitae Variant Classification Sherloc (09022015). Collection method: clinical testing. Allele origin: germline.

Color Diagnostics, LLC DBA Color Health
Classification: Likely benign for Cardiomyopathy. Last evaluated: 2025-08-27. Review status: criteria provided, single submitter. Criteria: ACMG Guidelines, 2015. Collection method: clinical testing. Allele origin: germline.

Women's Health and Genetics/Laboratory Corporation of America, LabCorp
Classification: Likely benign. Last evaluated: 2025-06-17. Review status: criteria provided, single submitter. Criteria: LabCorp Variant Classification Summary - May 2015. Collection method: clinical testing. Allele origin: germline.
Comment: Variant summary: PRKAG2 c.206C>T (p.Pro69Leu) results in a non-conservative amino acid change in the encoded protein sequence. Algorithms developed to predict the effect of missense changes on protein structure and function are either unavailable or do not agree on the potential impact of this missense change. The variant allele was found at a frequency of 6e-05 in 233582 control chromosomes in the gnomAD database, including 1 homozygotes. The observed variant frequency is approximately 2.4 fold of the estimated maximal expected allele frequency for a pathogenic variant in PRKAG2 causing Cardiomyopathy phenotype (2.5e-05). To our knowledge, no occurrence of c.206C>T in individuals affected with Cardiomyopathy and no experimental evidence demonstrating its impact on protein function have been reported. ClinVar contains an entry for this variant (Variation ID: 45708). Based on the evidence outlined above, the variant was classified as likely benign.

All of Us Research Program, National Institutes of Health
Classification: Uncertain significance for Hypertrophic cardiomyopathy. Last evaluated: 2024-09-23. Review status: criteria provided, single submitter. Criteria: ACMG Guidelines, 2015. Collection method: clinical testing. Allele origin: germline. Inheritance: Autosomal dominant inheritance. Observed: 6 variant alleles, 6 heterozygotes.
Comment: This missense variant replaces proline with leucine at codon 69 of the PRKAG2 protein. Computational prediction suggests that this variant may not impact protein structure and function (internally defined REVEL score threshold <= 0.5, PMID: 27666373). To our knowledge, functional studies have not been reported for this variant. This variant has been reported in an individual affected with hypertrophic cardiomyopathy (PMID: 25611685). This variant has been identified in 15/264942 chromosomes in the general population by the Genome Aggregation Database (gnomAD). The available evidence is insufficient to determine the role of this variant in disease conclusively. Therefore, this variant is classified as a Variant of Uncertain Significance.

This study involves interpretation of variants in research participants for the purpose of population health screening. Participant phenotype was not available at the time of variant classification. Additional details can be found in publication PMID: 35346344, PMCID: PMC8962531

Ambry Genetics
Classification: Likely benign for Cardiovascular phenotype. Last evaluated: 2024-06-04. Review status: criteria provided, single submitter. Criteria: Ambry Variant Classification Scheme 2023. Collection method: clinical testing. Allele origin: germline.

CHEO Genetics Diagnostic Laboratory, Children's Hospital of Eastern Ontario
Classification: Uncertain significance for Cardiomyopathy. Last evaluated: 2023-05-16. Review status: criteria provided, single submitter. Criteria: ACMG Guidelines, 2015. Collection method: clinical testing. Allele origin: germline.

ARUP Laboratories, Molecular Genetics and Genomics, ARUP Laboratories
Classification: Uncertain significance. Last evaluated: 2020-11-18. Review status: criteria provided, single submitter. Criteria: ARUP Molecular Germline Variant Investigation Process 2021. Collection method: clinical testing. Allele origin: germline.
Comment: The PRKAG2 c.206C>T; p.Pro69Leu variant (rs182750960), to our knowledge, is not reported in the medical literature but is reported in ClinVar (Variation ID: 45708). This variant is found in the general population with an overall allele frequency of 0.01% (15/264942 alleles) in the Genome Aggregation Database. The proline at codon 69 is weakly conserved, but computational analyses are uncertain whether this variant is neutral or deleterious (REVEL: 0.199). Due to limited information, the clinical significance of the p.Pro69Leu variant is uncertain at this time.

GeneDx
Classification: Uncertain significance. Last evaluated: 2016-02-23. Review status: criteria provided, single submitter. Criteria: GeneDx Variant Classification (06012015). Collection method: clinical testing. Allele origin: germline. Affected: yes.
Comment: The P69L variant has not been published as a pathogenic variant, nor has it been reported as a benign variant to our knowledge. The P69L variant was not observed in approximately 6,500 individuals of European and African American ancestry in the NHLBI Exome Sequencing Project, indicating it is not a common benign variant in these populations. The P69L variant is a semi-conservative amino acid substitution, which may impact secondary protein structure as these residues differ in some properties. This substitution occurs at a position that is not conserved. In silico analysis is inconsistent in its predictions as to whether or not the variant is damaging to the protein structure/function. Therefore, based on the currently available information, it is unclear whether this variant is a pathogenic variant or a rare benign variant.

Laboratory for Molecular Medicine, Mass General Brigham Personalized Medicine
Classification: Uncertain significance. Last evaluated: 2012-05-03. Review status: criteria provided, single submitter. Criteria: LMM Criteria. Collection method: clinical testing. Allele origin: germline. Observed: 1 variant allele.
Comment: Variant classified as Uncertain Significance - Favor Benign. The Pro69Leu varian t (PRKAG2) has not been reported in the literature nor previously identified by our laboratory, but is listed in dbSNP (rs182750960) without frequency informati on. Proline (Pro) at position 69 is not conserved in mammals, and computational analyses (AlignGVGD, PolyPhen2, and SIFT) suggest that the Pro69Leu variant may not impact the protein, though this information is not predictive enough to rule out pathogenicity. Although this data supports that the Pro69Leu variant may be benign, additional studies are needed to fully assess its clinical significance .

Literature cited by the submitters: PubMed 25611685 (cited by All of Us Research Program, National Institutes of Health and Ambry Genetics).

NM_016203.4(PRKAG2):c.206C>T (p.Pro69Leu)

Gene: PRKAG2 (protein kinase AMP-activated non-catalytic subunit gamma 2; minus strand). Cytogenetic location: 7q36.1.
Variant type: single nucleotide variant.
Coding change: c.206C>T on transcript NM_016203.4 (MANE Select); coding-DNA position 206, C replaced by T.
Protein change: p.Pro69Leu; replaces proline 69 with leucine.
Molecular consequence: missense variant.
Genome position (GRCh38, 1-based): chr7:151,781,412, G>A on the plus strand (C>T on the coding strand, the complement: PRKAG2 is on the minus strand). VCF-style: chr7-151781412-G-A. GRCh37 (hg19) VCF-style: chr7-151478498-G-A.
Other names: p.P69L:CCG>CTG; c.74C>T, p.Pro25Leu (NM_001040633.2); short protein forms P69L, P25L.
Identifiers: ClinVar variation 45708 (VCV000045708.29), dbSNP rs182750960, ClinGen allele CA014035.